The following is an entry in ClinVar:

ClinVar aggregate classification (germline): Conflicting classifications of pathogenicity. Review status: criteria provided, conflicting classifications (1 of 4 stars). 2 submissions from 2 submitters: Likely pathogenic (1); Uncertain significance (1). Last evaluated 2024-09-14.

Conditions:
Metaphyseal chondrodysplasia, McKusick type (CHH). Also called: Cartilage-hair hypoplasia; Cartilage-Hair Hypoplasia (CHH). Identifiers: Orphanet 175, MedGen C0220748, MONDO:0009595, OMIM 250250.
Anauxetic dysplasia. Identifiers: Orphanet 93347, MedGen C1846796, MONDO:0011773.

Allele frequency attached by ClinVar (database versions not stated): gnomAD 0.00001; gnomAD exomes 0.00001; TOPMed 0.00001.

Submissions (2):

Labcorp Genetics (formerly Invitae), Labcorp
Classification: Uncertain significance for Anauxetic dysplasia. Last evaluated: 2024-09-14. Review status: criteria provided, single submitter. Criteria: Invitae Variant Classification Sherloc (09022015). Collection method: clinical testing. Allele origin: germline.
Comment: This variant occurs in the RMRP gene, which encodes an RNA molecule that does not result in a protein product. This variant is not present in population databases (gnomAD no frequency). This variant has been observed in individual(s) with clinical features of cartilage hair hypoplasia (PMID: 18804272). This variant is also known as -4_-1 dup. ClinVar contains an entry for this variant (Variation ID: 917560). Experimental studies and prediction algorithms are not available or were not evaluated, and the functional significance of this variant is currently unknown. In summary, the available evidence is currently insufficient to determine the role of this variant in disease. Therefore, it has been classified as a Variant of Uncertain Significance.

Women's Health and Genetics/Laboratory Corporation of America, LabCorp
Classification: Likely pathogenic for Metaphyseal chondrodysplasia, McKusick type. Last evaluated: 2020-01-16. Review status: criteria provided, single submitter. Criteria: LabCorp Variant Classification Summary - May 2015. Collection method: clinical testing. Allele origin: germline.
Comment: Variant summary: The RMRP n.-3_1dupCGTG variant involves the duplication of 4 nucleotides in the promoter region/ trasncriptional start-site of RMRP. Many other insertions or duplications in the promoter region of RMRP have been reported as pathogenic or likely pathogenic (internally, in ClinVar, and in the literature). Several laboratories have reported functional studies suggesting that other mutations in the promoter region of RMRP silence transcription (e.g. Ridanpaa_2001, Hermanns_2005). The variant was absent in 128028 control chromosomes (gnomAD). n.-3_1dupCGTG has been reported in the literature (as n.-4_-1dup) in trans with another promoter region variant in one individual affected with combined immune deficiency (CID) and CD8 lymphopenia (Kavadas_2008). To our knowledge, no experimental evidence demonstrating an impact on RMRP function has been reported for this variant. No clinical diagnostic laboratories have submitted clinical significance assessments for this variant to ClinVar after 2014. Based on the evidence outlined above, the variant was classified as likely pathogenic.

Literature cited by the submitters: PubMed 18804272 (cited by Labcorp Genetics (formerly Invitae), Labcorp and Women's Health and Genetics/Laboratory Corporation of America, LabCorp); PubMed 11207361 (cited by Women's Health and Genetics/Laboratory Corporation of America, LabCorp); PubMed 16254002 (cited by Women's Health and Genetics/Laboratory Corporation of America, LabCorp); PubMed 21956908 (cited by Women's Health and Genetics/Laboratory Corporation of America, LabCorp); PubMed 21396580 (cited by Women's Health and Genetics/Laboratory Corporation of America, LabCorp).

NR_003051.3(RMRP):n.-3_1dupCGTG

Gene: RMRP (RNA component of mitochondrial RNA processing endoribonuclease; minus strand). Cytogenetic location: 9p13.3.
Variant type: Duplication.
Genome position: GRCh38 VCF-style: chr9-35658017-C-CCACG. GRCh37 (hg19) VCF-style: chr9-35658014-C-CCACG.
Identifiers: ClinVar variation 917560 (VCV000917560.9), dbSNP rs1554651381, ClinGen allele CA863578578.
Genomic context (GRCh38, chr9:35,658,017, plus strand): 5'-CGGAAAGGGGAGGAACAGAGTCCTCAGTGTGTAGCCTAGGATACAGGCCTTCAGCACGAA[C>CCACG]CACGTCCTCAGCTTCACAGAGTAGTATTTTATAGCCCTAAAGAAATTGTGTTTTATGATT-3'